The following is an entry in ClinVar:

ClinVar aggregate classification (germline): Uncertain significance (1 of 4 stars; one submission).

Allele frequency attached by ClinVar (database versions not stated): TOPMed below 0.00001; ExAC 0.00002; gnomAD exomes 0.00002.
gnomAD v4.1: 26 of 1,612,616 alleles (0.0016%); highest among the groups gnomAD compares: Non-Finnish European, 0.0022%; no homozygotes.

Submission:

Labcorp Genetics (formerly Invitae), Labcorp
Classification: Uncertain significance. Last evaluated: 2023-06-20. Review status: criteria provided, single submitter. Criteria: Invitae Variant Classification Sherloc (09022015). Collection method: clinical testing. Allele origin: germline.
Comment: An algorithm developed to predict the effect of missense changes on protein structure and function (PolyPhen-2) suggests that this variant is likely to be tolerated. This variant has not been reported in the literature in individuals affected with CDC6-related conditions. This variant is present in population databases (rs779176597, gnomAD 0.004%). This sequence change replaces lysine, which is basic and polar, with arginine, which is basic and polar, at codon 418 of the CDC6 protein (p.Lys418Arg). Algorithms developed to predict the effect of sequence changes on RNA splicing suggest that this variant may create or strengthen a splice site. In summary, the available evidence is currently insufficient to determine the role of this variant in disease. Therefore, it has been classified as a Variant of Uncertain Significance.

NM_001254.4(CDC6):c.1253A>G (p.Lys418Arg)

Gene: CDC6 (cell division cycle 6; plus strand). Cytogenetic location: 17q21.2.
Variant type: single nucleotide variant.
Coding change: c.1253A>G on transcript NM_001254.4 (MANE Select); coding-DNA position 1253, A replaced by G.
Protein change: p.Lys418Arg; replaces lysine 418 with arginine.
Molecular consequence: missense variant.
Genome position (GRCh38, 1-based): chr17:40,300,831, A>G. VCF-style: chr17-40300831-A-G. GRCh37 (hg19) VCF-style: chr17-38457083-A-G.
Other names: short protein forms K418R.
Identifiers: ClinVar variation 2732245 (VCV002732245.3), dbSNP rs779176597, ClinGen allele CA8542107.